The following is an entry in ClinVar:

NM_001042646.3(TRAK1):c.920A>G (p.Glu307Gly)

Gene: TRAK1 (trafficking kinesin protein 1; plus strand). Cytogenetic location: 3p22.1.
Variant type: single nucleotide variant.
Coding change: c.920A>G on transcript NM_001042646.3 (MANE Select); coding-DNA position 920, A replaced by G.
Protein change: p.Glu307Gly; replaces glutamic acid 307 with glycine.
Molecular consequence: missense variant. On other transcripts: non-coding transcript variant (1).
Genome position (GRCh38, 1-based): chr3:42,193,843, A>G. VCF-style: chr3-42193843-A-G. GRCh37 (hg19) VCF-style: chr3-42235335-A-G.
Other names: c.920A>G, p.Glu307Gly (NM_001265608.2, NM_001349246.2, NM_001349247.2); c.698A>G, p.Glu233Gly (NM_001265609.2, NM_001265610.1, NM_001349248.1 and 1 more transcripts); c.608A>G, p.Glu203Gly (NM_001349245.1); c.746A>G, p.Glu249Gly (NM_014965.5); short protein forms E233G, E203G, E249G, E307G.
Identifiers: ClinVar variation 1388245 (VCV001388245.7), dbSNP rs2149437708, ClinGen allele CA352244214.

ClinVar aggregate classification (germline): Uncertain significance. Review status: criteria provided, multiple submitters, no conflicts (2 of 4 stars). 2 submissions from 2 submitters: Uncertain significance (2). Last evaluated 2024-04-04.

Conditions:
Developmental and epileptic encephalopathy, 68. Also called: EPILEPTIC ENCEPHALOPATHY, EARLY INFANTILE, 68. Identifiers: MedGen C4748688, MONDO:0032598, OMIM 618201.

gnomAD v4.1: 1 of 1,614,178 alleles (0.000062%); highest among the groups gnomAD compares: Middle Eastern, 0.016%; no homozygotes.

Submissions (2):

Genomic Medicine Center of Excellence, King Faisal Specialist Hospital and Research Centre
Classification: Uncertain significance for Developmental and epileptic encephalopathy, 68. Last evaluated: 2024-04-04. Review status: criteria provided, single submitter. Criteria: ACMG Guidelines, 2015. Collection method: clinical testing. Allele origin: germline.

Labcorp Genetics (formerly Invitae), Labcorp
Classification: Uncertain significance. Last evaluated: 2022-10-05. Review status: criteria provided, single submitter. Criteria: Invitae Variant Classification Sherloc (09022015). Collection method: clinical testing. Allele origin: germline.
Comment: This variant has not been reported in the literature in individuals affected with TRAK1-related conditions. This variant is not present in population databases (gnomAD no frequency). This sequence change replaces glutamic acid, which is acidic and polar, with glycine, which is neutral and non-polar, at codon 307 of the TRAK1 protein (p.Glu307Gly). In summary, the available evidence is currently insufficient to determine the role of this variant in disease. Therefore, it has been classified as a Variant of Uncertain Significance. Algorithms developed to predict the effect of missense changes on protein structure and function (SIFT, PolyPhen-2, Align-GVGD) all suggest that this variant is likely to be disruptive.